The following is an entry in ClinVar:

NM_001371986.1(UNC80):c.9950C>A (p.Ala3317Glu)

Gene: UNC80 (unc-80 subunit of NALCN channel complex; plus strand). Cytogenetic location: 2q34.
Variant type: single nucleotide variant.
Coding change: c.9950C>A on transcript NM_001371986.1 (MANE Select); coding-DNA position 9950, C replaced by A.
Protein change: p.Ala3317Glu; replaces alanine 3317 with glutamic acid.
Molecular consequence: missense variant.
Genome position (GRCh38, 1-based): chr2:209,995,570, C>A. VCF-style: chr2-209995570-C-A. GRCh37 (hg19) VCF-style: chr2-210860294-C-A.
Other names: c.9752C>A, p.Ala3251Glu (NM_032504.2); c.9680C>A, p.Ala3227Glu (NM_182587.4); short protein forms A3227E, A3317E, A3251E.
Identifiers: ClinVar variation 1997972 (VCV001997972.4), dbSNP rs1336819279, ClinGen allele CA350416660.
Genomic context (GRCh38, chr2:209,995,570, plus strand): 5'-AGAACCCGCTACTATCTAGTCAGTTCACCTTTACTCCCACTGAGCTGGGGAAAACGGATG[C>A]AGTATTAGATGAGTCTCATGTTTAATTCTGTATCTTGTAAGCTCTGCAGGTATAGAGAAG-3'
Protein context (NP_001358915.1, residues 3307-3324): FTPTELGKTD[Ala3317Glu]VLDESHV

ClinVar aggregate classification (germline): Uncertain significance (1 of 4 stars; one submission).

Submission:

Labcorp Genetics (formerly Invitae), Labcorp
Classification: Uncertain significance. Last evaluated: 2022-09-01. Review status: criteria provided, single submitter. Criteria: Invitae Variant Classification Sherloc (09022015). Collection method: clinical testing. Allele origin: germline.
Comment: In summary, the available evidence is currently insufficient to determine the role of this variant in disease. Therefore, it has been classified as a Variant of Uncertain Significance. Algorithms developed to predict the effect of missense changes on protein structure and function output the following: SIFT: "Not Available"; PolyPhen-2: "Benign"; Align-GVGD: "Not Available". The glutamic acid amino acid residue is found in multiple mammalian species, which suggests that this missense change does not adversely affect protein function. This variant has not been reported in the literature in individuals affected with UNC80-related conditions. This variant is not present in population databases (gnomAD no frequency). This sequence change replaces alanine, which is neutral and non-polar, with glutamic acid, which is acidic and polar, at codon 3251 of the UNC80 protein (p.Ala3251Glu).